The following is an entry in ClinVar:

NM_006648.4(WNK2):c.5444G>T (p.Arg1815Leu)

Gene: WNK2 (WNK lysine deficient protein kinase 2; plus strand). Cytogenetic location: 9q22.31.
Variant type: single nucleotide variant.
Coding change: c.5444G>T on transcript NM_006648.4 (MANE Select); coding-DNA position 5444, G replaced by T.
Protein change: p.Arg1815Leu; replaces arginine 1815 with leucine.
Molecular consequence: missense variant.
Genome position (GRCh38, 1-based): chr9:93,292,909, G>T. VCF-style: chr9-93292909-G-T. GRCh37 (hg19) VCF-style: chr9-96055191-G-T.
Other names: c.5555G>T, p.Arg1852Leu (NM_001282394.3); short protein forms R1852L, R1815L.
Identifiers: ClinVar variation 4844852 (VCV004844852.1).

ClinVar aggregate classification (germline): Uncertain significance (1 of 4 stars; one submission).

Submission:

Ambry Genetics
Classification: Uncertain significance. Last evaluated: 2026-01-18. Review status: criteria provided, single submitter. Criteria: Ambry Variant Classification Scheme 2023. Collection method: clinical testing. Allele origin: germline.
Comment: The p.R1815L variant (also known as c.5444G>T), located in coding exon 22 of the WNK2 gene, results from a G to T substitution at nucleotide position 5444. The arginine at codon 1815 is replaced by leucine, an amino acid with dissimilar properties. This amino acid position is conserved. In addition, this alteration is predicted to be tolerated by in silico analysis. Based on the available evidence, the clinical significance of this variant remains unclear.